The following is an entry in ClinVar:

NM_001999.4(FBN2):c.3472+3A>G

Gene: FBN2 (fibrillin 2; minus strand). Cytogenetic location: 5q23.3.
Variant type: single nucleotide variant.
Coding change: c.3472+3A>G on transcript NM_001999.4 (MANE Select); 3 bases into the intron after coding-DNA position 3472, A replaced by G.
Molecular consequence: intron variant.
Genome position (GRCh38, 1-based): chr5:128,338,930, T>C on the plus strand (A>G on the coding strand, the complement: FBN2 is on the minus strand). VCF-style: chr5-128338930-T-C. GRCh37 (hg19) VCF-style: chr5-127674622-T-C.
Identifiers: ClinVar variation 1042862 (VCV001042862.9), dbSNP rs1750917005, ClinGen allele CA1581271161.

ClinVar aggregate classification (germline): Uncertain significance (1 of 4 stars; one submission).

Conditions:
Congenital contractural arachnodactyly (CCA). Also called: BEALS SYNDROME; Beals-Hecht syndrome; Arthrogryposis, distal, type 9. Identifiers: Orphanet 115, MedGen C0220668, MONDO:0007363, OMIM 121050.

Allele frequency attached by ClinVar (database versions not stated): gnomAD exomes below 0.00001.
gnomAD v4.1: 1 of 1,613,912 alleles (0.000062%); highest among the groups gnomAD compares: East Asian, 0.0022%; no homozygotes.

Submission:

Labcorp Genetics (formerly Invitae), Labcorp
Classification: Uncertain significance for Congenital contractural arachnodactyly. Last evaluated: 2020-01-30. Review status: criteria provided, single submitter. Criteria: Invitae Variant Classification Sherloc (09022015). Collection method: clinical testing. Allele origin: germline.
Comment: This sequence change falls in intron 26 of the FBN2 gene. It does not directly change the encoded amino acid sequence of the FBN2 protein, but it affects a nucleotide within the consensus splice site of the intron. This variant is not present in population databases (ExAC no frequency). This variant has not been reported in the literature in individuals with FBN2-related conditions. Nucleotide substitutions within the consensus splice site are a relatively common cause of aberrant splicing (PMID: 17576681, 9536098). Algorithms developed to predict the effect of sequence changes on RNA splicing suggest that this variant may disrupt the consensus splice site, but this prediction has not been confirmed by published transcriptional studies. In summary, the available evidence is currently insufficient to determine the role of this variant in disease. Therefore, it has been classified as a Variant of Uncertain Significance.

Literature cited by the submitters: PubMed 17576681; PubMed 9536098.